The following is an entry in ClinVar:

NM_001128840.3(CACNA1D):c.4876G>A (p.Gly1626Arg)

Gene: CACNA1D (calcium voltage-gated channel subunit alpha1 D; plus strand). Cytogenetic location: 3p21.1.
Variant type: single nucleotide variant.
Coding change: c.4876G>A on transcript NM_001128840.3 (MANE Select); coding-DNA position 4876, G replaced by A.
Protein change: p.Gly1626Arg; replaces glycine 1626 with arginine.
Molecular consequence: missense variant.
Genome position (GRCh38, 1-based): chr3:53,786,905, G>A. VCF-style: chr3-53786905-G-A. GRCh37 (hg19) VCF-style: chr3-53820932-G-A.
Other names: c.4936G>A, p.Gly1646Arg (NM_000720.4); c.4831G>A, p.Gly1611Arg (NM_001128839.3); short protein forms G1626R, G1646R, G1611R.
Identifiers: ClinVar variation 1900835 (VCV001900835.5), dbSNP rs955370174, ClinGen allele CA74853120.
Genomic context (GRCh38, chr3:53,786,905, plus strand): 5'-TTCTATGCCACTTTCCTGATACAGGACTACTTTAGGAAATTCAAGAAACGGAAAGAACAA[G>A]GACTGGTGGGAAAGTACCCTGCGAAGAACACCACAATTGCCCTACAGGTGAATTGTTGTC-3'
Protein context (NP_001122312.1, residues 1616-1636): FRKFKKRKEQ[Gly1626Arg]LVGKYPAKNT

ClinVar aggregate classification (germline): Uncertain significance (1 of 4 stars; one submission).

Allele frequency attached by ClinVar (database versions not stated): TOPMed below 0.00001; gnomAD exomes 0.00001.
gnomAD v4.1: 13 of 1,614,034 alleles (0.00081%); highest among the groups gnomAD compares: Non-Finnish European, 0.0011%; no homozygotes.

Submission:

Labcorp Genetics (formerly Invitae), Labcorp
Classification: Uncertain significance. Last evaluated: 2022-08-06. Review status: criteria provided, single submitter. Criteria: Invitae Variant Classification Sherloc (09022015). Collection method: clinical testing. Allele origin: germline.
Comment: In summary, the available evidence is currently insufficient to determine the role of this variant in disease. Therefore, it has been classified as a Variant of Uncertain Significance. Algorithms developed to predict the effect of missense changes on protein structure and function are either unavailable or do not agree on the potential impact of this missense change (SIFT: "Deleterious"; PolyPhen-2: "Probably Damaging"; Align-GVGD: "Class C0"). This variant has not been reported in the literature in individuals affected with CACNA1D-related conditions. This variant is present in population databases (no rsID available, gnomAD 0.0009%). This sequence change replaces glycine, which is neutral and non-polar, with arginine, which is basic and polar, at codon 1646 of the CACNA1D protein (p.Gly1646Arg).